The following is an entry in ClinVar:

NM_001267550.2(TTN):c.58150+17A>G

Genes: TTN-AS1 (TTN antisense RNA 1; plus strand), TTN (titin; minus strand). Cytogenetic location: 2q31.2.
Variant type: single nucleotide variant.
Coding change: c.58150+17A>G on transcript NM_001267550.2 (MANE Select); 17 bases into the intron after coding-DNA position 58150, A replaced by G.
Molecular consequence: intron variant.
Genome position (GRCh38, 1-based): chr2:178,594,327, T>C on the plus strand (A>G on the coding strand, the complement: TTN is on the minus strand). VCF-style: chr2-178594327-T-C. GRCh37 (hg19) VCF-style: chr2-179459054-T-C.
Other names: c.30955+17A>G (NM_003319.4); c.31531+17A>G (NM_133437.4); c.31330+17A>G (NM_133432.3); c.50446+17A>G (NM_133378.4); c.53227+17A>G (NM_001256850.1).
Identifiers: ClinVar variation 384158 (VCV000384158.6), dbSNP rs779666540, ClinGen allele CA1992923.
Genomic context (GRCh38, chr2:178,594,327, plus strand): 5'-AGTCATTTTTATTGATGTCTTATTACAAATCTACAAATGTGCAAGTTTCAGAAGTATAAA[T>C]TGTAGTAGACACATACCCAGCTCATCCTTGCAAGTAATTGGTTTGGTGCAAAATGATGGT-3'

ClinVar aggregate classification (germline): Likely benign. Review status: criteria provided, multiple submitters, no conflicts (2 of 4 stars). 2 submissions from 2 submitters: Likely benign (2). Last evaluated 2025-12-16.

Conditions:
Dilated cardiomyopathy 1G (CMD1G). Identifiers: Orphanet 154, MedGen C1858763, MONDO:0011400, OMIM 604145.
Autosomal recessive limb-girdle muscular dystrophy type 2J (LGMDR10). Also called: Limb-girdle muscular dystrophy, type 2J; MUSCULAR DYSTROPHY, LIMB-GIRDLE, AUTOSOMAL RECESSIVE 10. Identifiers: Orphanet 140922, MedGen C1837342, MONDO:0012127, OMIM 608807.

Allele frequency attached by ClinVar (database versions not stated): gnomAD below 0.00001 and 0.00003; TOPMed below 0.00001; gnomAD exomes 0.00009 and 0.00016; ExAC 0.00016.
gnomAD v4.1: 128 of 1,589,850 alleles (0.0081%); highest among the groups gnomAD compares: South Asian, 0.14%; 1 homozygote.

Submissions (2):

Labcorp Genetics (formerly Invitae), Labcorp
Classification: Likely benign for Dilated cardiomyopathy 1G; Autosomal recessive limb-girdle muscular dystrophy type 2J. Last evaluated: 2025-12-16. Review status: criteria provided, single submitter. Criteria: Invitae Variant Classification Sherloc (09022015). Collection method: clinical testing. Allele origin: germline.

GeneDx
Classification: Likely benign. Last evaluated: 2016-03-14. Review status: criteria provided, single submitter. Criteria: GeneDx Variant Classification (06012015). Collection method: clinical testing. Allele origin: germline. Affected: yes.
Comment: This variant is considered likely benign or benign based on one or more of the following criteria: it is a conservative change, it occurs at a poorly conserved position in the protein, it is predicted to be benign by multiple in silico algorithms, and/or has population frequency not consistent with disease.